The following is an entry in ClinVar:

ClinVar aggregate classification (germline): Uncertain significance. Review status: criteria provided, multiple submitters, no conflicts (2 of 4 stars). 2 submissions from 2 submitters: Uncertain significance (2). Last evaluated 2025-04-17.

Conditions:
Jeune thoracic dystrophy. Also called: Jeune syndrome; Infantile thoracic dystrophy; Thoracic pelvic phalangeal dystrophy; Jeune's syndrome; Chondroectodermal dysplasia-like syndrome; Short-rib thoracic dysplasia. Identifiers: Orphanet 474, MedGen C0265275, MONDO:0018770.

Allele frequency attached by ClinVar (database versions not stated): gnomAD 0.00001; TOPMed 0.00001; gnomAD exomes 0.00002.
gnomAD v4.1: 34 of 1,592,316 alleles (0.0021%); highest among the groups gnomAD compares: South Asian, 0.0046%; no homozygotes.

Submissions (2):

GeneDx
Classification: Uncertain significance. Last evaluated: 2025-04-17. Review status: criteria provided, single submitter. Criteria: GeneDx Variant Classification Process June 2021. Collection method: clinical testing. Allele origin: germline. Affected: yes.
Comment: Not observed at significant frequency in large population cohorts (gnomAD); In silico analysis supports that this missense variant has a deleterious effect on protein structure/function; This variant is associated with the following publications: (PMID: 23339108)

Labcorp Genetics (formerly Invitae), Labcorp
Classification: Uncertain significance for Jeune thoracic dystrophy. Last evaluated: 2022-08-02. Review status: criteria provided, single submitter. Criteria: Invitae Variant Classification Sherloc (09022015). Collection method: clinical testing. Allele origin: germline.
Comment: This sequence change replaces threonine, which is neutral and polar, with methionine, which is neutral and non-polar, at codon 2383 of the DYNC2H1 protein (p.Thr2383Met). This variant is present in population databases (no rsID available, gnomAD 0.007%). This missense change has been observed in individual(s) with asphyxiating thoracic dysplasia (PMID: 23339108). Algorithms developed to predict the effect of missense changes on protein structure and function (SIFT, PolyPhen-2, Align-GVGD) all suggest that this variant is likely to be disruptive. In summary, the available evidence is currently insufficient to determine the role of this variant in disease. Therefore, it has been classified as a Variant of Uncertain Significance.

Literature cited by the submitters: PubMed 23339108 (cited by Labcorp Genetics (formerly Invitae), Labcorp).

NM_001377.3(DYNC2H1):c.7148C>T (p.Thr2383Met)

Gene: DYNC2H1 (dynein cytoplasmic 2 heavy chain 1; plus strand). Cytogenetic location: 11q22.3.
Variant type: single nucleotide variant.
Coding change: c.7148C>T on transcript NM_001377.3 (MANE Select); coding-DNA position 7148, C replaced by T.
Protein change: p.Thr2383Met; replaces threonine 2383 with methionine.
Molecular consequence: missense variant.
Genome position (GRCh38, 1-based): chr11:103,188,504, C>T. VCF-style: chr11-103188504-C-T. GRCh37 (hg19) VCF-style: chr11-103059233-C-T.
Other names: c.7148C>T, p.Thr2383Met (NM_001080463.2); c.7148C>T (NM_001080463.1); short protein forms T2383M.
Identifiers: ClinVar variation 2197927 (VCV002197927.2), dbSNP rs937205550, ClinGen allele CA227405393.
Genomic context (GRCh38, chr11:103,188,504, plus strand): 5'-TGATTAGGAAATCTTAGATAAAAAACGTTTAAAATATATTTATTTTCAAATAGGTATTGA[C>T]GTATCAAGGATTTTATGATGAAAATTTGGAATGGGTTGGTCTAGAAAATATTCAAATTGT-3'
Protein context (NP_001368.2, residues 2373-2393): TLVAFLQQVL[Thr2383Met]YQGFYDENLE